The following is an entry in ClinVar:

ClinVar aggregate classification (germline): Uncertain significance (1 of 4 stars; one submission).

Conditions:
Cardiovascular phenotype. Identifiers: MedGen CN230736.

Submission:

Ambry Genetics
Classification: Uncertain significance for Cardiovascular phenotype. Last evaluated: 2023-11-17. Review status: criteria provided, single submitter. Criteria: Ambry Variant Classification Scheme 2023. Collection method: clinical testing. Allele origin: germline.
Comment: The p.E36K variant (also known as c.106G>A), located in coding exon 1 of the MYH6 gene, results from a G to A substitution at nucleotide position 106. The glutamic acid at codon 36 is replaced by lysine, an amino acid with similar properties. This amino acid position is conserved. In addition, this alteration is predicted to be tolerated by in silico analysis. Since supporting evidence is limited at this time, the clinical significance of this alteration remains unclear.

NM_002471.4(MYH6):c.106G>A (p.Glu36Lys)

Genes: MYH6 (myosin heavy chain 6; minus strand), LOC114827851 (VISTA enhancer hs2155; plus strand). Cytogenetic location: 14q11.2.
Variant type: single nucleotide variant.
Coding change: c.106G>A on transcript NM_002471.4 (MANE Select); coding-DNA position 106, G replaced by A.
Protein change: p.Glu36Lys; replaces glutamic acid 36 with lysine.
Molecular consequence: missense variant.
Genome position (GRCh38, 1-based): chr14:23,407,118, C>T on the plus strand (G>A on the coding strand, the complement: MYH6 is on the minus strand). VCF-style: chr14-23407118-C-T. GRCh37 (hg19) VCF-style: chr14-23876327-C-T.
Other names: short protein forms E36K.
Identifiers: ClinVar variation 3222317 (VCV003222317.1), dbSNP rs1891813847, ClinGen allele CA389032064.